The following is an entry in ClinVar:

ClinVar aggregate classification (germline): Uncertain significance. Review status: criteria provided, multiple submitters, no conflicts (2 of 4 stars). 2 submissions from 2 submitters: Uncertain significance (2). Last evaluated 2024-06-23.

Conditions:
Colorectal cancer. Also called: Colorectal cancer, somatic; Malignant Colorectal Neoplasm. Identifiers: MedGen C0346629, MONDO:0005575, OMIM 114500.
Oligodontia-cancer predisposition syndrome. Also called: TOOTH AGENESIS-COLORECTAL CANCER SYNDROME. Identifiers: Orphanet 300576, MedGen C1837750, MONDO:0012075, OMIM 608615. Disease mechanism: loss of function.

Allele frequency attached by ClinVar (database versions not stated): gnomAD exomes below 0.00001.
gnomAD v4.1: 1 of 1,614,038 alleles (0.000062%); highest among the groups gnomAD compares: Admixed American, 0.0017%; no homozygotes.

Submissions (2):

Labcorp Genetics (formerly Invitae), Labcorp
Classification: Uncertain significance for Oligodontia-cancer predisposition syndrome. Last evaluated: 2024-06-23. Review status: criteria provided, single submitter. Criteria: Invitae Variant Classification Sherloc (09022015). Collection method: clinical testing. Allele origin: germline.
Comment: This sequence change replaces leucine, which is neutral and non-polar, with valine, which is neutral and non-polar, at codon 795 of the AXIN2 protein (p.Leu795Val). This variant is not present in population databases (gnomAD no frequency). This variant has not been reported in the literature in individuals affected with AXIN2-related conditions. ClinVar contains an entry for this variant (Variation ID: 1046893). Advanced modeling of protein sequence and biophysical properties (such as structural, functional, and spatial information, amino acid conservation, physicochemical variation, residue mobility, and thermodynamic stability) performed at Invitae indicates that this missense variant is expected to disrupt AXIN2 protein function with a positive predictive value of 80%. Algorithms developed to predict the effect of sequence changes on RNA splicing suggest that this variant may create or strengthen a splice site. In summary, the available evidence is currently insufficient to determine the role of this variant in disease. Therefore, it has been classified as a Variant of Uncertain Significance.

Baylor Genetics
Classification: Uncertain significance for Colorectal cancer. Last evaluated: 2023-06-25. Review status: criteria provided, single submitter. Criteria: ACMG Guidelines, 2015. Collection method: clinical testing. Allele origin: unknown.

NM_004655.4(AXIN2):c.2383C>G (p.Leu795Val)

Gene: AXIN2 (axin 2; minus strand). Cytogenetic location: 17q24.1.
Variant type: single nucleotide variant.
Coding change: c.2383C>G on transcript NM_004655.4 (MANE Select); coding-DNA position 2383, C replaced by G.
Protein change: p.Leu795Val; replaces leucine 795 with valine.
Molecular consequence: missense variant.
Genome position (GRCh38, 1-based): chr17:65,533,934, G>C on the plus strand (C>G on the coding strand, the complement: AXIN2 is on the minus strand). VCF-style: chr17-65533934-G-C. GRCh37 (hg19) VCF-style: chr17-63530052-G-C.
Other names: c.2188C>G, p.Leu730Val (NM_001363813.1); short protein forms L795V, L730V.
Identifiers: ClinVar variation 1046893 (VCV001046893.10), dbSNP rs2043865311, ClinGen allele CA400675363.
Genomic context (GRCh38, chr17:65,533,934, plus strand): 5'-AACAAACTGAGAGCAGAAAAAAGCCACAGGACTCTTACCTATAATTTCCCTTTTTGCTGA[G>C]CTGCTCTTTAAAGTGGCCCAGGGTCAAGCTCTGAGCCTTCAGCATCCTCCGGTATGGAAT-3'
Protein context (NP_004646.3, residues 785-805): SLTLGHFKEQ[Leu795Val]SKKGNYRYYF